The following is an entry in ClinVar:

ClinVar aggregate classification (germline): Uncertain significance. Review status: criteria provided, multiple submitters, no conflicts (2 of 4 stars). 2 submissions from 2 submitters: Uncertain significance (2). Last evaluated 2024-06-04.

Conditions:
Inborn genetic diseases. Identifiers: MedGen C0950123, MeSH D030342.

Allele frequency attached by ClinVar (database versions not stated): gnomAD exomes below 0.00001; gnomAD 0.00001; TOPMed 0.00001.

Submissions (2):

Ambry Genetics
Classification: Uncertain significance for Inborn genetic diseases. Last evaluated: 2024-06-04. Review status: criteria provided, single submitter. Criteria: Ambry Variant Classification Scheme 2023. Collection method: clinical testing. Allele origin: germline.

Labcorp Genetics (formerly Invitae), Labcorp
Classification: Uncertain significance. Last evaluated: 2022-07-18. Review status: criteria provided, single submitter. Criteria: Invitae Variant Classification Sherloc (09022015). Collection method: clinical testing. Allele origin: germline.
Comment: This sequence change replaces glycine, which is neutral and non-polar, with arginine, which is basic and polar, at codon 55 of the PEX11B protein (p.Gly55Arg). This variant is not present in population databases (gnomAD no frequency). This variant has not been reported in the literature in individuals affected with PEX11B-related conditions. ClinVar contains an entry for this variant (Variation ID: 960906). Algorithms developed to predict the effect of missense changes on protein structure and function are either unavailable or do not agree on the potential impact of this missense change (SIFT: "Tolerated"; PolyPhen-2: "Probably Damaging"; Align-GVGD: "Class C0"). In summary, the available evidence is currently insufficient to determine the role of this variant in disease. Therefore, it has been classified as a Variant of Uncertain Significance.

NM_003846.3(PEX11B):c.163G>A (p.Gly55Arg)

Gene: PEX11B (peroxisomal biogenesis factor 11 beta; minus strand). Cytogenetic location: 1q21.1.
Variant type: single nucleotide variant.
Coding change: c.163G>A on transcript NM_003846.3 (MANE Select); coding-DNA position 163, G replaced by A.
Protein change: p.Gly55Arg; replaces glycine 55 with arginine.
Molecular consequence: missense variant. On other transcripts: non-coding transcript variant (3).
Genome position (GRCh38, 1-based): chr1:145,917,710, C>T on the plus strand (G>A on the coding strand, the complement: PEX11B is on the minus strand). VCF-style: chr1-145917710-C-T. GRCh37 (hg19) VCF-style: chr1-145517379-G-A.
Other names: c.121G>A, p.Gly41Arg (NM_001184795.1); short protein forms G41R, G55R.
Identifiers: ClinVar variation 960906 (VCV000960906.7), dbSNP rs1291101857, ClinGen allele CA342124024.